The following is an entry in ClinVar:

ClinVar aggregate classification (germline): Uncertain significance. Review status: criteria provided, multiple submitters, no conflicts (2 of 4 stars). 2 submissions from 2 submitters: Uncertain significance (2). Last evaluated 2023-07-11.

Conditions:
Polyhydramnios, megalencephaly, and symptomatic epilepsy (PMSE). Also called: PMSE SYNDROME. Identifiers: Orphanet 500533, MedGen C1970203, MONDO:0012611, OMIM 611087.
Inborn genetic diseases. Identifiers: MedGen C0950123, MeSH D030342.

Allele frequency attached by ClinVar (database versions not stated): gnomAD exomes below 0.00001; ExAC 0.00001; gnomAD 0.00001.

Submissions (2):

Ambry Genetics
Classification: Uncertain significance for Inborn genetic diseases. Last evaluated: 2023-07-11. Review status: criteria provided, single submitter. Criteria: Ambry Variant Classification Scheme 2023. Collection method: clinical testing. Allele origin: germline.

Labcorp Genetics (formerly Invitae), Labcorp
Classification: Uncertain significance for Polyhydramnios, megalencephaly, and symptomatic epilepsy. Last evaluated: 2023-04-06. Review status: criteria provided, single submitter. Criteria: Invitae Variant Classification Sherloc (09022015). Collection method: clinical testing. Allele origin: germline.
Comment: This sequence change replaces glycine, which is neutral and non-polar, with serine, which is neutral and polar, at codon 294 of the STRADA protein (p.Gly294Ser). This variant is present in population databases (rs752707400, gnomAD 0.006%). This variant has not been reported in the literature in individuals affected with STRADA-related conditions. An algorithm developed to predict the effect of missense changes on protein structure and function (PolyPhen-2) suggests that this variant is likely to be disruptive. In summary, the available evidence is currently insufficient to determine the role of this variant in disease. Therefore, it has been classified as a Variant of Uncertain Significance.

NM_001003787.4(STRADA):c.880G>A (p.Gly294Ser)

Gene: STRADA (STE20 related adaptor alpha; minus strand). Cytogenetic location: 17q23.3.
Variant type: single nucleotide variant.
Coding change: c.880G>A on transcript NM_001003787.4 (MANE Select); coding-DNA position 880, G replaced by A.
Protein change: p.Gly294Ser; replaces glycine 294 with serine.
Molecular consequence: missense variant. On other transcripts: 3 prime UTR variant (3), non-coding transcript variant (1).
Genome position (GRCh38, 1-based): chr17:63,704,561, C>T on the plus strand (G>A on the coding strand, the complement: STRADA is on the minus strand). VCF-style: chr17-63704561-C-T. GRCh37 (hg19) VCF-style: chr17-61781921-C-T.
Other names: c.706G>A, p.Gly236Ser (NM_001003788.3, NM_001363790.1, NM_001363791.1); c.793G>A, p.Gly265Ser (NM_001165969.2, NM_001363787.1); c.748G>A, p.Gly250Ser (NM_001165970.2); c.856G>A, p.Gly286Ser (NM_001363786.1); c.880G>A, p.Gly294Ser (NM_001363788.1); c.769G>A, p.Gly257Ser (NM_001363789.1, NM_153335.6, NM_001003786.3); c.*318G>A (NM_001411083.1, NM_001411084.1); c.*329G>A (NM_001411085.1); short protein forms G250S, G265S, G286S, G294S, G236S, G257S.
Identifiers: ClinVar variation 2593515 (VCV002593515.5), dbSNP rs752707400, ClinGen allele CA8703189.